The following is an entry in ClinVar:

NM_175875.5(SIX5):c.1943C>G (p.Pro648Arg)

Gene: SIX5 (SIX homeobox 5; minus strand). Cytogenetic location: 19q13.32.
Variant type: single nucleotide variant.
Coding change: c.1943C>G on transcript NM_175875.5 (MANE Select); coding-DNA position 1943, C replaced by G.
Protein change: p.Pro648Arg; replaces proline 648 with arginine.
Molecular consequence: missense variant.
Genome position (GRCh38, 1-based): chr19:45,765,778, G>C on the plus strand (C>G on the coding strand, the complement: SIX5 is on the minus strand). VCF-style: chr19-45765778-G-C. GRCh37 (hg19) VCF-style: chr19-46269036-G-C.
Other names: c.1943C>G (NM_175875.4); short protein forms P648R.
Identifiers: ClinVar variation 2969037 (VCV002969037.4), dbSNP rs140816771, ClinGen allele CA9520470.
Genomic context (GRCh38, chr19:45,765,778, plus strand): 5'-CCTGCTGACCAGACAGGCACGGCCGCGGGTGACAACATCAGCCCCTCTGGTGGGGGCGCC[G>C]GGAAGTTGGGCAGGAGGCCAGGGGAGTCAGGGGAGAAGGGCAGGCTGGTGCTGGAGGTGG-3'
Protein context (NP_787071.3, residues 638-658): PDSPGLLPNF[Pro648Arg]APPPEGLMLS

ClinVar aggregate classification (germline): Conflicting classifications of pathogenicity. Review status: criteria provided, conflicting classifications (1 of 4 stars). 2 submissions from 2 submitters: Uncertain significance (1); Likely benign (1). Last evaluated 2025-06-18.

gnomAD v4.1: 26 of 1,607,846 alleles (0.0016%); highest among the groups gnomAD compares: Non-Finnish European, 0.0019%; no homozygotes.

Submissions (2):

Labcorp Genetics (formerly Invitae), Labcorp
Classification: Uncertain significance. Last evaluated: 2025-06-18. Review status: criteria provided, single submitter. Criteria: Invitae Variant Classification Sherloc (09022015). Collection method: clinical testing. Allele origin: germline.
Comment: This sequence change replaces proline, which is neutral and non-polar, with arginine, which is basic and polar, at codon 648 of the SIX5 protein (p.Pro648Arg). This variant is present in population databases (rs140816771, gnomAD 0.006%). This variant has not been reported in the literature in individuals affected with SIX5-related conditions. ClinVar contains an entry for this variant (Variation ID: 2969037). Invitae Evidence Modeling of protein sequence and biophysical properties (such as structural, functional, and spatial information, amino acid conservation, physicochemical variation, residue mobility, and thermodynamic stability) indicates that this missense variant is not expected to disrupt SIX5 protein function with a negative predictive value of 80%. In summary, the available evidence is currently insufficient to determine the role of this variant in disease. Therefore, it has been classified as a Variant of Uncertain Significance.

Ambry Genetics
Classification: Likely benign. Last evaluated: 2024-10-09. Review status: criteria provided, single submitter. Criteria: Ambry Variant Classification Scheme 2023. Collection method: clinical testing. Allele origin: germline.